The following is an entry in ClinVar:

ClinVar aggregate classification (germline): Uncertain significance (1 of 4 stars; one submission).

Conditions:
Hereditary cancer-predisposing syndrome. Also called: Neoplastic Syndromes, Hereditary; Tumor predisposition; Hereditary Cancer Syndrome; Hereditary neoplastic syndrome. Identifiers: Orphanet 140162, MedGen C0027672, MeSH D009386, MONDO:0015356.

Submission:

Ambry Genetics
Classification: Uncertain significance for Hereditary cancer-predisposing syndrome. Last evaluated: 2025-08-23. Review status: criteria provided, single submitter. Criteria: Ambry Variant Classification Scheme 2023. Collection method: clinical testing. Allele origin: germline.
Comment: The p.D602H variant (also known as c.1804G>C), located in coding exon 10 of the SMARCA4 gene, results from a G to C substitution at nucleotide position 1804. The aspartic acid at codon 602 is replaced by histidine, an amino acid with similar properties. This amino acid position is conserved. In addition, the in silico prediction for this alteration is inconclusive. Based on the available evidence, the clinical significance of this variant remains unclear.

NM_003072.5(SMARCA4):c.1804G>C (p.Asp602His)

Gene: SMARCA4 (SWI/SNF related BAF chromatin remodeling complex subunit ATPase 4; plus strand). Cytogenetic location: 19p13.2.
Variant type: single nucleotide variant.
Coding change: c.1804G>C on transcript NM_003072.5 (MANE Select); coding-DNA position 1804, G replaced by C.
Protein change: p.Asp602His; replaces aspartic acid 602 with histidine.
Molecular consequence: missense variant. On other transcripts: non-coding transcript variant (1).
Genome position (GRCh38, 1-based): chr19:10,996,536, G>C. VCF-style: chr19-10996536-G-C. GRCh37 (hg19) VCF-style: chr19-11107212-G-C.
Other names: c.1804G>C, p.Asp602His (NM_001128844.3, NM_001128845.2, NM_001128846.2 and 6 more transcripts); short protein forms D602H.
Identifiers: ClinVar variation 4170183 (VCV004170183.1).